The following is an entry in ClinVar:

NM_173628.4(DNAH17):c.3056C>A (p.Thr1019Asn)

Genes: DNAH17 (dynein axonemal heavy chain 17; minus strand), LOC126862656 (MED14-independent group 3 enhancer GRCh37_chr17:76528450-76529649; plus strand). Cytogenetic location: 17q25.3.
Variant type: single nucleotide variant.
Coding change: c.3056C>A on transcript NM_173628.4 (MANE Select); coding-DNA position 3056, C replaced by A.
Protein change: p.Thr1019Asn; replaces threonine 1019 with asparagine.
Molecular consequence: missense variant.
Genome position (GRCh38, 1-based): chr17:78,532,540, G>T on the plus strand (C>A on the coding strand, the complement: DNAH17 is on the minus strand). VCF-style: chr17-78532540-G-T. GRCh37 (hg19) VCF-style: chr17-76528622-G-T.
Other names: short protein forms T1019N.
Identifiers: ClinVar variation 1234119 (VCV001234119.6), dbSNP rs77180602, ClinGen allele CA8804391.
Genomic context (GRCh38, chr17:78,532,540, plus strand): 5'-ACCTGCTCCTGGAACTGAGCCAGGGTGGGCGGTGTCTTGGGGATGGTGTCATCTGTCCAG[G>T]TGTCCAAGTCCTCCGCAGTGACTGCACACCCATATATCAGGAAATTCTTCATAAACTCCT-3'
Protein context (NP_775899.3, residues 1009-1029): GCAVTAEDLD[Thr1019Asn]WTDDTIPKTP

ClinVar aggregate classification (germline): Benign. Review status: criteria provided, multiple submitters, no conflicts (2 of 4 stars). 3 submissions from 3 submitters: Benign (2). 1 of the submissions does not count toward it. Last evaluated 2021-05-05.

Conditions:
DNAH17-related disorder. Also called: DNAH17-related condition.

Allele frequency attached by ClinVar (database versions not stated): ESP Exome Variant Server 0.00080; TOPMed 0.00330; 1000 Genomes Project 30x 0.01280; 1000 Genomes Project 0.01338.
gnomAD v4.1: 7,479 of 1,611,388 alleles (0.46%); highest among the groups gnomAD compares: East Asian, 5.9%; 154 homozygotes.

Submissions (3):

GeneDx
Classification: Benign. Last evaluated: 2021-05-05. Review status: criteria provided, single submitter. Criteria: GeneDx Variant Classification Process June 2021. Collection method: clinical testing. Allele origin: germline. Affected: yes.

Breakthrough Genomics
Classification: Benign. Review status: criteria provided, single submitter. Criteria: ACMG Guidelines, 2015. Collection method: not provided. Allele origin: germline. Inheritance: Autosomal recessive inheritance. Affected: yes.

PreventionGenetics, part of Exact Sciences
Classification: Benign for DNAH17-related condition. Last evaluated: 2024-08-11. Review status: no assertion criteria provided. Collection method: clinical testing. Allele origin: germline. Not counted in ClinVar's aggregate classification.
Comment: This variant is classified as benign based on ACMG/AMP sequence variant interpretation guidelines (Richards et al. 2015 PMID: 25741868, with internal and published modifications).